The following is an entry in ClinVar:

ClinVar aggregate classification (germline): Pathogenic (1 of 4 stars; one submission).

Conditions:
Developmental and epileptic encephalopathy, 12 (DEE12). Identifiers: MedGen C3150988, MONDO:0013389, OMIM 613722.

Submission:

Labcorp Genetics (formerly Invitae), Labcorp
Classification: Pathogenic for Developmental and epileptic encephalopathy, 12. Last evaluated: 2022-07-06. Review status: criteria provided, single submitter. Criteria: Invitae Variant Classification Sherloc (09022015). Collection method: clinical testing. Allele origin: germline.
Comment: For these reasons, this variant has been classified as Pathogenic. This variant has not been reported in the literature in individuals affected with PLCB1-related conditions. This variant is a gross deletion of the genomic region encompassing exon(s) 9-14 of the PLCB1 gene. This deletion is out-of-frame, and is expected to create a premature termination codon and result in an absent or disrupted protein product. Loss-of-function variants in PLCB1 are known to be pathogenic (PMID: 24684524).

Literature cited by the submitters: PubMed 24684524.

NC_000020.10:g.(?_8639165)_(8698515_?)del

Gene: PLCB1 (phospholipase C beta 1; plus strand). Cytogenetic location: 20p12.3.
Variant type: Deletion.
Identifiers: ClinVar variation 1456484 (VCV001456484.9).